The following is an entry in ClinVar:

ClinVar aggregate classification (germline): Uncertain significance. Review status: criteria provided, single submitter (1 of 4 stars). 3 submissions from 3 submitters: Uncertain significance (1). 2 of the submissions do not count toward it. Last evaluated 2023-08-21.

Submissions (3):

Genetic Services Laboratory, University of Chicago
Classification: Uncertain significance. Last evaluated: 2023-08-21. Review status: criteria provided, single submitter. Criteria: ACMG Guidelines, 2015. Collection method: clinical testing. Allele origin: germline. Affected: no.
Comment: DNA sequence analysis of the BRCA2 gene demonstrated a sequence change in intron 18, c.8332-9T>G. This change does not appear to have been previously described in individuals with BRCA2-related disorders and has also not been described in population databases such as ExAC and gnomAD. In-silico splice prediction programs provide inconclusive results for this sequence change. It is possible that this sequence change represents a benign sequence change in the BRCA2 gene that has not been identified to date. The functional significance of this sequence change is not known at present and its contribution to this individual's disease phenotype cannot definitively be determined.

Research Molecular Genetics Laboratory, Women's College Hospital, University of Toronto
Classification: Uncertain significance. Last evaluated: 2014-01-31. Review status: no assertion criteria provided. Collection method: research. Allele origin: germline. Affected: yes. Study: The Canadian Open Genetics Repository (COGR). Not counted in ClinVar's aggregate classification.

Department of Pathology and Laboratory Medicine, Sinai Health System
Classification: Uncertain significance. Review status: no assertion criteria provided. Collection method: clinical testing. Allele origin: unknown. Affected: yes. Study: The Canadian Open Genetics Repository (COGR). Not counted in ClinVar's aggregate classification.
Comment: The BRCA2 c.8332-9T>G variant was not identified in the literature nor was it identified in the dbSNP, Cosmic, LOVD 3.0, UMD-LSDB, BIC Database, ARUP Laboratories, or Zhejiang University, databases. The variant was identified in ClinVar (classified as uncertain significance by COGR) database. The variant was not identified in the following control databases: the Exome Aggregation Consortium (August 8th 2016), or the Genome Aggregation Database (Feb 27, 2017). The c.8332-9T>G variant is located in the 3' splice region but does not affect the invariant -1 and -2 positions. However, positions -3 and -5 to -12 are part of the splicing consensus sequence and variants involving these positions sometimes affect splicing. In addition, 3 of 4 in silico or computational prediction software programs (SpliceSiteFinder, MaxEntScan, NNSPLICE, GeneSplicer,) predict a greater than 10% difference in splicing. In summary, based on the above information the clinical significance of this variant cannot be determined with certainty at this time. This variant is classified as a variant of uncertain significance.

NM_000059.4(BRCA2):c.8332-9T>G

Gene: BRCA2 (BRCA2 DNA repair associated; plus strand). Cytogenetic location: 13q13.1.
Variant type: single nucleotide variant.
Coding change: c.8332-9T>G on transcript NM_000059.4 (MANE Select); 9 bases into the intron before coding-DNA position 8332, T replaced by G.
Molecular consequence: intron variant.
Genome position (GRCh38, 1-based): chr13:32,370,393, T>G. VCF-style: chr13-32370393-T-G. GRCh37 (hg19) VCF-style: chr13-32944530-T-G.
Identifiers: ClinVar variation 431344 (VCV000431344.4), dbSNP rs1135401926, ClinGen allele CA645372942.